The following is an entry in ClinVar:

NM_001142864.4(PIEZO1):c.180G>A (p.Leu60=)

Gene: PIEZO1 (piezo type mechanosensitive ion channel component 1 (Er blood group); minus strand). Cytogenetic location: 16q24.3.
Variant type: single nucleotide variant.
Coding change: c.180G>A on transcript NM_001142864.4 (MANE Select); coding-DNA position 180, G replaced by A.
Protein change: p.Leu60=; no amino-acid change (leucine 60 retained).
Molecular consequence: synonymous variant.
Genome position (GRCh38, 1-based): chr16:88,742,403, C>T on the plus strand (G>A on the coding strand, the complement: PIEZO1 is on the minus strand). VCF-style: chr16-88742403-C-T. GRCh37 (hg19) VCF-style: chr16-88808811-C-T.
Identifiers: ClinVar variation 750943 (VCV000750943.5), dbSNP rs147363396, ClinGen allele CA286442554.

ClinVar aggregate classification (germline): Likely benign. Review status: criteria provided, multiple submitters, no conflicts (2 of 4 stars). 2 submissions from 2 submitters: Likely benign (2). Last evaluated 2026-04-01.

Allele frequency attached by ClinVar (database versions not stated): gnomAD exomes 0.00001 and 0.00002; gnomAD 0.00014 and 0.00018; TOPMed 0.00018; 1000 Genomes Project 30x 0.00078; 1000 Genomes Project 0.00100.
gnomAD v4.1: 55 of 1,535,038 alleles (0.0036%); highest among the groups gnomAD compares: African/African-American, 0.055%; no homozygotes.

Submissions (2):

CeGaT Center for Human Genetics Tuebingen
Classification: Likely benign. Last evaluated: 2026-04-01. Review status: criteria provided, single submitter. Criteria: CeGaT Center For Human Genetics Tuebingen Variant Classification Criteria Version 2. Collection method: clinical testing. Allele origin: germline. Affected: yes. Observed: 1 variant allele.
Comment: PIEZO1: BP4, BP7

Labcorp Genetics (formerly Invitae), Labcorp
Classification: Likely benign. Last evaluated: 2018-09-09. Review status: criteria provided, single submitter. Criteria: Invitae Variant Classification Sherloc (09022015). Collection method: clinical testing. Allele origin: germline.